The following is an entry in ClinVar:

NM_024577.4(SH3TC2):c.2582G>C (p.Arg861Pro)

Gene: SH3TC2 (SH3 domain and tetratricopeptide repeats 2; minus strand). Cytogenetic location: 5q32.
Variant type: single nucleotide variant.
Coding change: c.2582G>C on transcript NM_024577.4 (MANE Select); coding-DNA position 2582, G replaced by C.
Protein change: p.Arg861Pro; replaces arginine 861 with proline.
Molecular consequence: missense variant.
Genome position (GRCh38, 1-based): chr5:149,027,150, C>G on the plus strand (G>C on the coding strand, the complement: SH3TC2 is on the minus strand). VCF-style: chr5-149027150-C-G. GRCh37 (hg19) VCF-style: chr5-148406713-C-G.
Other names: short protein forms R861P.
Identifiers: ClinVar variation 647077 (VCV000647077.8), dbSNP rs142971473, ClinGen allele CA3498965.
Genomic context (GRCh38, chr5:149,027,150, plus strand): 5'-TTGGCCATAGCCACTGCCTGGTTATGCACATCTCCCACCTCCTGGGCTCTGTTCAAGGCC[C>G]GAAGATAGCTCTTGGCTGCCCTGTTCACCCGGCCTTCACCTTGGAGTGCAAGTCCCAGGA-3'
Protein context (NP_078853.2, residues 851-871): RVNRAAKSYL[Arg861Pro]ALNRAQEVGD

ClinVar aggregate classification (germline): Uncertain significance (1 of 4 stars; one submission).

Conditions:
Charcot-Marie-Tooth disease type 4. Also called: Charcot-Marie-Tooth disease, type IV; Charcot-Marie-Tooth, Type 4. Identifiers: Orphanet 64749, MedGen C4082197, MONDO:0018995.

Submission:

Labcorp Genetics (formerly Invitae), Labcorp
Classification: Uncertain significance for Charcot-Marie-Tooth disease type 4. Last evaluated: 2022-11-22. Review status: criteria provided, single submitter. Criteria: Invitae Variant Classification Sherloc (09022015). Collection method: clinical testing. Allele origin: germline.
Comment: In summary, the available evidence is currently insufficient to determine the role of this variant in disease. Therefore, it has been classified as a Variant of Uncertain Significance. Advanced modeling of protein sequence and biophysical properties (such as structural, functional, and spatial information, amino acid conservation, physicochemical variation, residue mobility, and thermodynamic stability) performed at Invitae indicates that this missense variant is not expected to disrupt SH3TC2 protein function. ClinVar contains an entry for this variant (Variation ID: 647077). This variant has not been reported in the literature in individuals affected with SH3TC2-related conditions. This variant is present in population databases (rs142971473, gnomAD 0.0009%). This sequence change replaces arginine, which is basic and polar, with proline, which is neutral and non-polar, at codon 861 of the SH3TC2 protein (p.Arg861Pro).